The following is an entry in ClinVar:

NM_021098.3(CACNA1H):c.1053C>T (p.Asp351=)

Gene: CACNA1H (calcium voltage-gated channel subunit alpha1 H; plus strand). Cytogenetic location: 16p13.3.
Variant type: single nucleotide variant.
Coding change: c.1053C>T on transcript NM_021098.3 (MANE Select); coding-DNA position 1053, C replaced by T.
Protein change: p.Asp351=; no amino-acid change (aspartic acid 351 retained).
Molecular consequence: synonymous variant.
Genome position (GRCh38, 1-based): chr16:1,200,505, C>T. VCF-style: chr16-1200505-C-T. GRCh37 (hg19) VCF-style: chr16-1250505-C-T.
Other names: p.Asp351=; c.1053C>T, p.Asp351= (NM_001005407.2).
Identifiers: ClinVar variation 767523 (VCV000767523.11), dbSNP rs200378845, ClinGen allele CA7799762.

ClinVar aggregate classification (germline): Likely benign. Review status: criteria provided, multiple submitters, no conflicts (2 of 4 stars). 3 submissions from 3 submitters: Likely benign (3). Last evaluated 2026-02-02.

Conditions:
Idiopathic generalized epilepsy. Also called: Generalised epilepsy; EIG. Identifiers: MedGen C0270850, MONDO:0005579, OMIM 600669.
Hyperaldosteronism, familial, type IV (HALD4). Also called: FH IV; ALDOSTERONISM, PRIMARY, AND HYPERTENSION. Identifiers: Orphanet 642671, MedGen C4310756, MONDO:0014875, OMIM 617027.

Allele frequency attached by ClinVar (database versions not stated): ExAC 0.00006; ESP Exome Variant Server 0.00008; gnomAD exomes 0.00011 and 0.00039; gnomAD 0.00015 and 0.00016; TOPMed 0.00015; 1000 Genomes Project 30x 0.00016; 1000 Genomes Project 0.00020.
gnomAD v4.1: 568 of 1,612,326 alleles (0.035%); highest among the groups gnomAD compares: Non-Finnish European, 0.047%; no homozygotes.

Submissions (3):

Labcorp Genetics (formerly Invitae), Labcorp
Classification: Likely benign for Idiopathic generalized epilepsy; Hyperaldosteronism, familial, type IV. Last evaluated: 2026-02-02. Review status: criteria provided, single submitter. Criteria: Invitae Variant Classification Sherloc (09022015). Collection method: clinical testing. Allele origin: germline.

Mayo Clinic Laboratories, Mayo Clinic
Classification: Likely benign. Last evaluated: 2025-09-20. Review status: criteria provided, single submitter. Criteria: ACMG Guidelines, 2015. Collection method: clinical testing. Allele origin: germline. Observed: 1 variant allele.
Comment: BP4, BP7

Blueprint Genetics
Classification: Likely benign. Last evaluated: 2024-06-13. Review status: criteria provided, single submitter. Criteria: ACMG Guidelines, 2015. Collection method: clinical testing. Allele origin: germline.